The following is an entry in ClinVar:

NM_004168.4(SDHA):c.1982T>C (p.Ile661Thr)

Gene: SDHA (succinate dehydrogenase complex flavoprotein subunit A; plus strand). Cytogenetic location: 5p15.33.
Variant type: single nucleotide variant.
Coding change: c.1982T>C on transcript NM_004168.4 (MANE Select); coding-DNA position 1982, T replaced by C.
Protein change: p.Ile661Thr; replaces isoleucine 661 with threonine.
Molecular consequence: missense variant.
Genome position (GRCh38, 1-based): chr5:256,407, T>C. VCF-style: chr5-256407-T-C. GRCh37 (hg19) VCF-style: chr5-256522-T-C.
Other names: c.1838T>C, p.Ile613Thr (NM_001294332.2); c.1739T>C, p.Ile580Thr (NM_001330758.2); short protein forms I580T, I613T, I661T.
Identifiers: ClinVar variation 2678623 (VCV002678623.4), dbSNP rs111540173, ClinGen allele CA112784575.
Genomic context (GRCh38, chr5:256,407, plus strand): 5'-ATAGACCCGTGATCGACAAAACTTTGAACGAGGCTGACTGTGCCACCGTCCCGCCAGCCA[T>C]TCGCTCCTACTGATGAGACAAGATGTGGTGATGACAGAATCAGCTTTTGTAATTATGTAT-3'
Protein context (NP_004159.2, residues 651-664): EADCATVPPA[Ile661Thr]RSY

ClinVar aggregate classification (germline): Uncertain significance. Review status: criteria provided, multiple submitters, no conflicts (2 of 4 stars). 2 submissions from 2 submitters: Uncertain significance (2). Last evaluated 2025-03-04.

Conditions:
Dilated cardiomyopathy 1GG (CMD1GG). Identifiers: Orphanet 154, MedGen C3150898, MONDO:0013339, OMIM 613642.
Pheochromocytoma/paraganglioma syndrome 5. Also called: Paragangliomas 5; SDHA-Related Hereditary Paraganglioma-Pheochromocytoma Syndrome. Identifiers: Orphanet 29072, MedGen C3279992, MONDO:0013602, OMIM 614165.
Mitochondrial complex II deficiency, nuclear type 1. Also called: SUCCINATE CoQ REDUCTASE DEFICIENCY. Identifiers: Orphanet 3208, MedGen C5700310, MONDO:0100294, OMIM 252011.

Submissions (2):

Labcorp Genetics (formerly Invitae), Labcorp
Classification: Uncertain significance for Pheochromocytoma/paraganglioma syndrome 5; Mitochondrial complex II deficiency, nuclear type 1. Last evaluated: 2025-03-04. Review status: criteria provided, single submitter. Criteria: Invitae Variant Classification Sherloc (09022015). Collection method: clinical testing. Allele origin: germline.
Comment: This sequence change replaces isoleucine, which is neutral and non-polar, with threonine, which is neutral and polar, at codon 661 of the SDHA protein (p.Ile661Thr). This variant is not present in population databases (gnomAD no frequency). This variant has not been reported in the literature in individuals affected with SDHA-related conditions. ClinVar contains an entry for this variant (Variation ID: 2678623). Invitae Evidence Modeling of protein sequence and biophysical properties (such as structural, functional, and spatial information, amino acid conservation, physicochemical variation, residue mobility, and thermodynamic stability) indicates that this missense variant is not expected to disrupt SDHA protein function with a negative predictive value of 95%. In summary, the available evidence is currently insufficient to determine the role of this variant in disease. Therefore, it has been classified as a Variant of Uncertain Significance.

Baylor Genetics
Classification: Uncertain significance for Dilated cardiomyopathy 1GG. Last evaluated: 2023-06-04. Review status: criteria provided, single submitter. Criteria: ACMG Guidelines, 2015. Collection method: clinical testing. Allele origin: unknown.